The following is an entry in ClinVar:

ClinVar aggregate classification (germline): Uncertain significance. Review status: criteria provided, multiple submitters, no conflicts (2 of 4 stars). 2 submissions from 2 submitters: Uncertain significance (2). Last evaluated 2024-01-18.

Conditions:
LAMB2-related infantile-onset nephrotic syndrome. Also called: NEPHROTIC SYNDROME, TYPE 5, WITHOUT OCULAR ABNORMALITIES; NEPHROTIC SYNDROME, TYPE 5, WITH OCULAR ABNORMALITIES; Nephrotic Syndrome, type 5. Identifiers: Orphanet 306507, MedGen C3280113, MONDO:0013621, OMIM 614199.
Pierson syndrome. Also called: MICROCORIA-CONGENITAL NEPHROTIC SYNDROME. Identifiers: Orphanet 2670, MedGen C1836876, MONDO:0012184, OMIM 609049.

Allele frequency attached by ClinVar (database versions not stated): gnomAD 0.00001; TOPMed 0.00002; gnomAD exomes 0.00005 and 0.00009; ExAC 0.00008.
gnomAD v4.1: 28 of 1,613,178 alleles (0.0017%); highest among the groups gnomAD compares: Admixed American, 0.047%; no homozygotes.

Submissions (2):

Fulgent Genetics
Classification: Uncertain significance for Pierson syndrome; LAMB2-related infantile-onset nephrotic syndrome. Last evaluated: 2024-01-18. Review status: criteria provided, single submitter. Criteria: ACMG Guidelines, 2015. Collection method: clinical testing. Allele origin: germline.

Labcorp Genetics (formerly Invitae), Labcorp
Classification: Uncertain significance for LAMB2-related infantile-onset nephrotic syndrome; Pierson syndrome. Last evaluated: 2022-09-06. Review status: criteria provided, single submitter. Criteria: Invitae Variant Classification Sherloc (09022015). Collection method: clinical testing. Allele origin: germline.
Comment: This sequence change falls in intron 6 of the LAMB2 gene. It does not directly change the encoded amino acid sequence of the LAMB2 protein. It affects a nucleotide within the consensus splice site. This variant is present in population databases (rs775876911, gnomAD 0.07%). This variant has not been reported in the literature in individuals affected with LAMB2-related conditions. ClinVar contains an entry for this variant (Variation ID: 539740). Variants that disrupt the consensus splice site are a relatively common cause of aberrant splicing (PMID: 17576681, 9536098). Algorithms developed to predict the effect of sequence changes on RNA splicing suggest that this variant is not likely to affect RNA splicing. In summary, the available evidence is currently insufficient to determine the role of this variant in disease. Therefore, it has been classified as a Variant of Uncertain Significance.

Literature cited by the submitters: PubMed 17576681 (cited by Labcorp Genetics (formerly Invitae), Labcorp); PubMed 9536098 (cited by Labcorp Genetics (formerly Invitae), Labcorp).

NM_002292.4(LAMB2):c.713-3C>T

Gene: LAMB2 (laminin subunit beta 2; minus strand). Cytogenetic location: 3p21.31.
Variant type: single nucleotide variant.
Coding change: c.713-3C>T on transcript NM_002292.4 (MANE Select); 3 bases into the intron before coding-DNA position 713, C replaced by T.
Molecular consequence: intron variant.
Genome position (GRCh38, 1-based): chr3:49,131,155, G>A on the plus strand (C>T on the coding strand, the complement: LAMB2 is on the minus strand). VCF-style: chr3-49131155-G-A. GRCh37 (hg19) VCF-style: chr3-49168588-G-A.
Identifiers: ClinVar variation 539740 (VCV000539740.7), dbSNP rs775876911, ClinGen allele CA2394811.